The following is an entry in ClinVar:

ClinVar aggregate classification (germline): Uncertain significance (1 of 4 stars; one submission).

Conditions:
RYR1-related disorder. Also called: RYR1-related condition; RYR1-related disorders. Identifiers: MedGen CN239331.

Allele frequency attached by ClinVar (database versions not stated): gnomAD exomes below 0.00001; ExAC 0.00002.
gnomAD v4.1: 2 of 1,609,718 alleles (0.00012%); highest among the groups gnomAD compares: Admixed American, 0.0033%; no homozygotes.

Submission:

Labcorp Genetics (formerly Invitae), Labcorp
Classification: Uncertain significance for RYR1-related disorder. Last evaluated: 2023-12-15. Review status: criteria provided, single submitter. Criteria: Invitae Variant Classification Sherloc (09022015). Collection method: clinical testing. Allele origin: germline.
Comment: This sequence change replaces glutamine, which is neutral and polar, with arginine, which is basic and polar, at codon 2772 of the RYR1 protein (p.Gln2772Arg). This variant is present in population databases (rs746484347, gnomAD 0.006%). This variant has not been reported in the literature in individuals affected with RYR1-related conditions. ClinVar contains an entry for this variant (Variation ID: 1897382). Advanced modeling of protein sequence and biophysical properties (such as structural, functional, and spatial information, amino acid conservation, physicochemical variation, residue mobility, and thermodynamic stability) performed at Invitae indicates that this missense variant is not expected to disrupt RYR1 protein function with a negative predictive value of 95%. In summary, the available evidence is currently insufficient to determine the role of this variant in disease. Therefore, it has been classified as a Variant of Uncertain Significance.

NM_000540.3(RYR1):c.8315A>G (p.Gln2772Arg)

Genes: RYR1 (ryanodine receptor 1; plus strand), LOC126862902 (BRD4-independent group 4 enhancer GRCh37_chr19:38995830-38997029; plus strand). Cytogenetic location: 19q13.2.
Variant type: single nucleotide variant.
Coding change: c.8315A>G on transcript NM_000540.3 (MANE Select); coding-DNA position 8315, A replaced by G.
Protein change: p.Gln2772Arg; replaces glutamine 2772 with arginine.
Molecular consequence: missense variant.
Genome position (GRCh38, 1-based): chr19:38,505,313, A>G. VCF-style: chr19-38505313-A-G. GRCh37 (hg19) VCF-style: chr19-38995953-A-G.
Other names: c.8315A>G, p.Gln2772Arg (NM_001042723.2); short protein forms Q2772R.
Identifiers: ClinVar variation 1897382 (VCV001897382.5), dbSNP rs746484347, ClinGen allele CA071828.